The following is an entry in ClinVar:

ClinVar aggregate classification (germline): Uncertain significance. Review status: criteria provided, single submitter (1 of 4 stars). 2 submissions from 2 submitters: Uncertain significance (1). 1 of the submissions does not count toward it. Last evaluated 2021-08-27.

Conditions:
Cerebral creatine deficiency syndrome. Also called: Creatine deficiency syndromes. Identifiers: Orphanet 79172, MedGen C5244016, MONDO:0000456.
Deficiency of guanidinoacetate methyltransferase (CCDS2). Also called: GAMT DEFICIENCY; CEREBRAL CREATINE DEFICIENCY SYNDROME 2; Guanidinoacetate Methyltransferase (GAMT) Deficiency. Identifiers: Orphanet 382, MedGen C0574080, MONDO:0012999, OMIM 612736.

Allele frequency attached by ClinVar (database versions not stated): gnomAD exomes 0.00001.
gnomAD v4.1: 9 of 1,613,344 alleles (0.00056%); highest among the groups gnomAD compares: South Asian, 0.0088%; no homozygotes.

Submissions (2):

Labcorp Genetics (formerly Invitae), Labcorp
Classification: Uncertain significance for Cerebral creatine deficiency syndrome. Last evaluated: 2021-08-27. Review status: criteria provided, single submitter. Criteria: Invitae Variant Classification Sherloc (09022015). Collection method: clinical testing. Allele origin: germline.
Comment: This sequence change replaces isoleucine with threonine at codon 187 of the GAMT protein (p.Ile187Thr). The isoleucine residue is weakly conserved and there is a moderate physicochemical difference between isoleucine and threonine. This variant is not present in population databases (ExAC no frequency). This variant has not been reported in the literature in individuals affected with GAMT-related conditions. Algorithms developed to predict the effect of missense changes on protein structure and function output the following: SIFT: "Tolerated"; PolyPhen-2: "Benign"; Align-GVGD: "Class C0". The threonine amino acid residue is found in multiple mammalian species, which suggests that this missense change does not adversely affect protein function. In summary, the available evidence is currently insufficient to determine the role of this variant in disease. Therefore, it has been classified as a Variant of Uncertain Significance.

Natera, Inc.
Classification: Uncertain significance for Guanidinoacetate methyltransferase deficiency. Last evaluated: 2020-12-22. Review status: no assertion criteria provided. Collection method: clinical testing. Allele origin: germline. Not counted in ClinVar's aggregate classification.

NM_000156.6(GAMT):c.560T>C (p.Ile187Thr)

Gene: GAMT (guanidinoacetate N-methyltransferase; minus strand). Cytogenetic location: 19p13.3.
Variant type: single nucleotide variant.
Coding change: c.560T>C on transcript NM_000156.6 (MANE Select); coding-DNA position 560, T replaced by C.
Protein change: p.Ile187Thr; replaces isoleucine 187 with threonine.
Molecular consequence: missense variant.
Genome position (GRCh38, 1-based): chr19:1,398,926, A>G on the plus strand (T>C on the coding strand, the complement: GAMT is on the minus strand). VCF-style: chr19-1398926-A-G. GRCh37 (hg19) VCF-style: chr19-1398925-A-G.
Other names: c.560T>C, p.Ile187Thr (NM_138924.3); short protein forms I187T.
Identifiers: ClinVar variation 971738 (VCV000971738.7), dbSNP rs1421013354, ClinGen allele CA402994047.
Genomic context (GRCh38, chr19:1,398,926, plus strand): 5'-CATCCAAGGTCACTTCCTGGAGACCCATGGGGAACTTCAGGTGGGCGCACCTCAAACATG[A>G]TGGTGATGTCTGAGTACTTGGACTTCATCAGCTCCCCCCAGGAGGTGAGGTTGCAGTAGG-3'
Protein context (NP_000147.1, residues 177-197): LMKSKYSDIT[Ile187Thr]MFEETQVPAL